The following is an entry in ClinVar:

NM_001127178.3(PIGG):c.2030A>C (p.Gln677Pro)

Gene: PIGG (phosphatidylinositol glycan anchor biosynthesis class G (EMM blood group); plus strand). Cytogenetic location: 4p16.3.
Variant type: single nucleotide variant.
Coding change: c.2030A>C on transcript NM_001127178.3 (MANE Select); coding-DNA position 2030, A replaced by C.
Protein change: p.Gln677Pro; replaces glutamine 677 with proline.
Molecular consequence: missense variant. On other transcripts: non-coding transcript variant (6).
Genome position (GRCh38, 1-based): chr4:523,874, A>C. VCF-style: chr4-523874-A-C. GRCh37 (hg19) VCF-style: chr4-517663-A-C.
Other names: c.1763A>C, p.Gln588Pro (NM_001289051.2, NM_001345986.2); c.1631A>C, p.Gln544Pro (NM_001289052.2); c.1739A>C, p.Gln580Pro (NM_001345987.2); c.1001A>C, p.Gln334Pro (NM_001345988.2); c.497A>C, p.Gln166Pro (NM_001345990.2, NM_001345991.2); c.932A>C, p.Gln311Pro (NM_001345994.2); c.2006A>C, p.Gln669Pro (NM_017733.5); short protein forms Q166P, Q311P, Q334P, Q544P, Q580P, Q588P, Q669P, Q677P.
Identifiers: ClinVar variation 1062182 (VCV001062182.6), dbSNP rs773058327, ClinGen allele CA2793506.

ClinVar aggregate classification (germline): Uncertain significance (1 of 4 stars; one submission).

Conditions:
Intellectual disability, autosomal recessive 53 (NEDHSCA). Also called: GLYCOSYLPHOSPHATIDYLINOSITOL BIOSYNTHESIS DEFECT 13; Mental retardation, autosomal recessive 53; NEURODEVELOPMENTAL DISORDER WITH OR WITHOUT HYPOTONIA, SEIZURES, AND CEREBELLAR ATROPHY. Identifiers: Orphanet 488635, MedGen C4310794, MONDO:0014832, OMIM 616917.

Allele frequency attached by ClinVar (database versions not stated): gnomAD 0.00001; gnomAD exomes 0.00002; ExAC 0.00004.
gnomAD v4.1: 34 of 1,563,950 alleles (0.0022%); highest among the groups gnomAD compares: Middle Eastern, 0.017%; no homozygotes.

Submission:

Labcorp Genetics (formerly Invitae), Labcorp
Classification: Uncertain significance for Intellectual disability, autosomal recessive 53. Last evaluated: 2022-08-21. Review status: criteria provided, single submitter. Criteria: Invitae Variant Classification Sherloc (09022015). Collection method: clinical testing. Allele origin: germline.
Comment: This sequence change replaces glutamine, which is neutral and polar, with proline, which is neutral and non-polar, at codon 677 of the PIGG protein (p.Gln677Pro). This variant is present in population databases (rs773058327, gnomAD 0.008%). This variant has not been reported in the literature in individuals affected with PIGG-related conditions. ClinVar contains an entry for this variant (Variation ID: 1062182). Algorithms developed to predict the effect of missense changes on protein structure and function are either unavailable or do not agree on the potential impact of this missense change (SIFT: "Tolerated"; PolyPhen-2: "Possibly Damaging"; Align-GVGD: "Class C0"). In summary, the available evidence is currently insufficient to determine the role of this variant in disease. Therefore, it has been classified as a Variant of Uncertain Significance.